The following is an entry in ClinVar:

ClinVar aggregate classification (germline): Conflicting classifications of pathogenicity. Review status: criteria provided, conflicting classifications (1 of 4 stars). 6 submissions from 2 submitters: Uncertain significance (3); Benign (3). Last evaluated 2025-11-25.

Conditions:
Dilated cardiomyopathy 1G (CMD1G). Identifiers: Orphanet 154, MedGen C1858763, MONDO:0011400, OMIM 604145.
Autosomal recessive limb-girdle muscular dystrophy type 2J (LGMDR10). Also called: MUSCULAR DYSTROPHY, LIMB-GIRDLE, AUTOSOMAL RECESSIVE 10; Limb-girdle muscular dystrophy, type 2J. Identifiers: Orphanet 140922, MedGen C1837342, MONDO:0012127, OMIM 608807.
Myopathy, myofibrillar, 9, with early respiratory failure (MFM9). Also called: Myopathy, distal, with early respiratory failure, autosomal dominant; Hereditary myopathy with early respiratory failure; EDSTROM MYOPATHY; MYOPATHY, PROXIMAL, WITH EARLY RESPIRATORY MUSCLE INVOLVEMENT. Identifiers: Orphanet 178464, Orphanet 34521, MedGen C1863599, MONDO:0011362, OMIM 603689.
Early-onset myopathy with fatal cardiomyopathy (CMYO5). Also called: CONGENITAL MYOPATHY 5 WITH CARDIOMYOPATHY; Salih Myopathy. Identifiers: Orphanet 289377, MedGen C2673677, MONDO:0012714, OMIM 611705. Disease mechanism: loss of function.
Tibial muscular dystrophy (TMD). Also called: Udd Distal Myopathy – Tibial Muscular Dystrophy; UDD MYOPATHY; Tibial muscular dystrophy, tardive. Identifiers: Orphanet 609, MedGen C1838244, MONDO:0010870, OMIM 600334.

Allele frequency attached by ClinVar (database versions not stated): gnomAD 0.00007 and 0.00012; TOPMed 0.00014; gnomAD exomes 0.00022 and 0.00027; ExAC 0.00029; 1000 Genomes Project 30x 0.00047; 1000 Genomes Project 0.00060.
gnomAD v4.1: 335 of 1,613,510 alleles (0.021%); highest among the groups gnomAD compares: East Asian, 0.73%; 1 homozygote.

Submissions (6):

Labcorp Genetics (formerly Invitae), Labcorp
Classification: Benign for Dilated cardiomyopathy 1G; Autosomal recessive limb-girdle muscular dystrophy type 2J. Last evaluated: 2025-11-25. Review status: criteria provided, single submitter. Criteria: Invitae Variant Classification Sherloc (09022015). Collection method: clinical testing. Allele origin: germline.

Illumina Laboratory Services, Illumina
Classification: Uncertain significance for Early-onset myopathy with fatal cardiomyopathy. Last evaluated: 2018-01-13. Review status: criteria provided, single submitter. Criteria: ICSL Variant Classification Criteria 13 December 2019. Collection method: clinical testing. Allele origin: germline.

Illumina Laboratory Services, Illumina
Classification: Benign for Tibial muscular dystrophy. Last evaluated: 2018-01-13. Review status: criteria provided, single submitter. Criteria: ICSL Variant Classification Criteria 13 December 2019. Collection method: clinical testing. Allele origin: germline.
Comment: This variant was observed in the ICSL laboratory as part of a predisposition screen in an ostensibly healthy population. It had not been previously curated by ICSL or reported in the Human Gene Mutation Database (HGMD: prior to June 1st, 2018), and was therefore a candidate for classification through an automated scoring system. Utilizing variant allele frequency, disease prevalence and penetrance estimates, and inheritance mode, an automated score was calculated to assess if this variant is too frequent to cause the disease. Based on the score and internal cut-off values, a variant classified as benign is not then subjected to further curation. The score for this variant resulted in a classification of benign for this disease.

Illumina Laboratory Services, Illumina
Classification: Uncertain significance for Autosomal recessive limb-girdle muscular dystrophy type 2J. Last evaluated: 2018-01-13. Review status: criteria provided, single submitter. Criteria: ICSL Variant Classification Criteria 13 December 2019. Collection method: clinical testing. Allele origin: germline.

Illumina Laboratory Services, Illumina
Classification: Uncertain significance for Dilated cardiomyopathy 1G. Last evaluated: 2018-01-13. Review status: criteria provided, single submitter. Criteria: ICSL Variant Classification Criteria 13 December 2019. Collection method: clinical testing. Allele origin: germline.

Illumina Laboratory Services, Illumina
Classification: Benign for Myopathy, myofibrillar, 9, with early respiratory failure. Last evaluated: 2018-01-13. Review status: criteria provided, single submitter. Criteria: ICSL Variant Classification Criteria 13 December 2019. Collection method: clinical testing. Allele origin: germline.
Comment: the same text as in the submission from Illumina Laboratory Services, Illumina above.

NM_001267550.2(TTN):c.75194A>G (p.His25065Arg)

Genes: TTN (titin; minus strand), TTN-AS1 (TTN antisense RNA 1; plus strand). Cytogenetic location: 2q31.2.
Variant type: single nucleotide variant.
Coding change: c.75194A>G on transcript NM_001267550.2 (MANE Select); coding-DNA position 75194, A replaced by G.
Protein change: p.His25065Arg; replaces histidine 25065 with arginine.
Molecular consequence: missense variant.
Genome position (GRCh38, 1-based): chr2:178,570,938, T>C on the plus strand (A>G on the coding strand, the complement: TTN is on the minus strand). VCF-style: chr2-178570938-T-C. GRCh37 (hg19) VCF-style: chr2-179435665-T-C.
Other names: c.70271A>G, p.His23424Arg (NM_001256850.1); c.47999A>G, p.His16000Arg (NM_003319.4); c.67490A>G, p.His22497Arg (NM_133378.4); c.48374A>G, p.His16125Arg (NM_133432.3); c.48575A>G, p.His16192Arg (NM_133437.4); short protein forms H22497R, H25065R, H16000R, H16125R, H16192R, H23424R.
Identifiers: ClinVar variation 332781 (VCV000332781.15), dbSNP rs182161195, ClinGen allele CA1990089.